The following is an entry in ClinVar:

ClinVar aggregate classification (germline): Pathogenic (1 of 4 stars; one submission).

gnomAD v4.1: 1 of 1,614,004 alleles (0.000062%); highest among the groups gnomAD compares: South Asian, 0.0011%; no homozygotes.

Submission:

GeneDx
Classification: Pathogenic. Last evaluated: 2023-07-26. Review status: criteria provided, single submitter. Criteria: GeneDx Variant Classification Process June 2021. Collection method: clinical testing. Allele origin: germline. Affected: yes.
Comment: Nonsense variant predicted to result in protein truncation or nonsense mediated decay in a gene for which loss of function is a known mechanism of disease; Not observed at significant frequency in large population cohorts (gnomAD); This variant is associated with the following publications: (PMID: 33219753)

NM_000123.4(ERCC5):c.1343C>G (p.Ser448Ter)

Genes: BIVM-ERCC5 (BIVM-ERCC5 readthrough; plus strand), ERCC5 (ERCC excision repair 5, endonuclease; plus strand). Cytogenetic location: 13q33.1.
Variant type: single nucleotide variant.
Coding change: c.1343C>G on transcript NM_000123.4 (MANE Select); coding-DNA position 1343, C replaced by G.
Protein change: p.Ser448Ter; replaces serine 448 with a stop codon.
Molecular consequence: nonsense.
Genome position (GRCh38, 1-based): chr13:102,862,492, C>G. VCF-style: chr13-102862492-C-G. GRCh37 (hg19) VCF-style: chr13-103514842-C-G.
Other names: c.2705C>G, p.Ser902Ter (NM_001204425.2); short protein forms S448*, S902*.
Identifiers: ClinVar variation 3343849 (VCV003343849.1).
Genomic context (GRCh38, chr13:102,862,492, plus strand): 5'-GTGATGAAGGACTTAAAGTGAGAGATGGAAAAGGAATACCGTTTACTGCAACACTTGCGT[C>G]ATCTAGTGTGAACTCTGCAGAGGAGCACGTAGCCAGCACTAATGAGGGGAGAGAGCCCAC-3'